The following is an entry in ClinVar:

ClinVar aggregate classification (germline): Conflicting classifications of pathogenicity. Review status: criteria provided, conflicting classifications (1 of 4 stars). 3 submissions from 3 submitters: Pathogenic (1); Uncertain significance (1). 1 of the submissions does not count toward it. Last evaluated 2021-01-09.

Conditions:
Pituitary hormone deficiency, combined or isolated, 8 (CPHD8). Identifiers: MedGen C5830375, MONDO:0957208, OMIM 620303.
Pituitary stalk interruption syndrome. Identifiers: Orphanet 95496, MedGen C4053775, MONDO:0019828.

Submissions (3):

Institute of Human Genetics, University of Leipzig Medical Center
Classification: Uncertain significance for Pituitary stalk interruption syndrome. Last evaluated: 2021-01-09. Review status: criteria provided, single submitter. Criteria: ACMG Guidelines, 2015. Collection method: curation. Allele origin: germline. Inheritance: Autosomal dominant inheritance. Affected: yes.
Comment: Inheritance was reported as dominant (heterozygous) (paternal). The variant was reviewed according to current ACMG recommendations and classified as Uncertain Significance (criteria: PM2_Supporting, PP3_Supporting) at the variant level; the gene-disease association is currently not established in curated databases.

Human Developmental Genetics, Institut Pasteur
Classification: Pathogenic for Pituitary stalk interruption syndrome. Last evaluated: 2020-04-01. Review status: criteria provided, single submitter. Criteria: ACMG Guidelines, 2015. Collection method: research. Allele origin: maternal. Affected: yes.

OMIM
Classification: Pathogenic for PITUITARY HORMONE DEFICIENCY, COMBINED, 8. Last evaluated: 2023-04-05. Review status: no assertion criteria provided. Collection method: literature only. Allele origin: germline. Not counted in ClinVar's aggregate classification.

Literature cited by the submitters: PubMed 28402530 (cited by 3 submitters).

NM_002941.4(ROBO1):c.719G>C (p.Cys240Ser)

Gene: ROBO1 (roundabout guidance receptor 1; minus strand). Cytogenetic location: 3p12.3.
Variant type: single nucleotide variant.
Coding change: c.719G>C on transcript NM_002941.4 (MANE Select); coding-DNA position 719, G replaced by C.
Protein change: p.Cys240Ser; replaces cysteine 240 with serine.
Molecular consequence: missense variant.
Genome position (GRCh38, 1-based): chr3:78,717,822, C>G on the plus strand (G>C on the coding strand, the complement: ROBO1 is on the minus strand). VCF-style: chr3-78717822-C-G. GRCh37 (hg19) VCF-style: chr3-78766972-C-G.
Other names: c.602G>C, p.Cys201Ser (NM_001145844.1, NM_001145845.2, NM_133631.4); short protein forms C201S, C240S.
Identifiers: ClinVar variation 978578 (VCV000978578.4), dbSNP rs2081940708, ClinGen allele CA353665177.
Genomic context (GRCh38, chr3:78,717,822, plus strand): 5'-CCTAAGACAGTCAGCTCGGCTACTTCACTCTCACGTTCCCCAACCATATTGGTACCAACA[C>G]AAACATATTTGCCAGCGTCACTTTTACGGGTGTAAGTGATCATGAGCTTTCCTCCTCGTA-3'
Protein context (NP_002932.1, residues 230-250): TRKSDAGKYV[Cys240Ser]VGTNMVGERE